The following is an entry in ClinVar:

NM_006759.4(UGP2):c.1419_1419+14del

Gene: UGP2 (UDP-glucose pyrophosphorylase 2; plus strand). Cytogenetic location: 2p15.
Variant type: Deletion.
Coding change: c.1419_1419+14del on transcript NM_006759.4 (MANE Select); coding-DNA position 1419 through 14 bases into the intron after coding-DNA position 1419, 15 bases deleted (GGTATGTTGTTACAA).
Molecular consequence: splice donor variant.
Genome position (GRCh38, 1-based): chr2:63,890,185-63,890,199, GGTATGTTGTTACAA deleted; deleting any 15 consecutive bases within chr2:63,890,183-63,890,199 gives the same sequence; the c. name uses the placement nearest the transcript's 3' end. VCF-style (leftmost placement, unchanged base first): chr2-63890182-AAAGGTATGTTGTTAC-A. GRCh37 (hg19) VCF-style: chr2-64117316-AAAGGTATGTTGTTAC-A.
Other names: c.1059_1059+14del (NM_001377529.1, NM_001377526.1, NM_001377528.1 and 1 more transcripts); c.1386_1386+14del (NM_001377525.1, NM_001001521.2, NM_001377524.1).
Identifiers: ClinVar variation 3359140 (VCV003359140.2).

ClinVar aggregate classification (germline): Uncertain significance (1 of 4 stars; one submission).

Conditions:
Developmental and epileptic encephalopathy, 83. Also called: EPILEPTIC ENCEPHALOPATHY, EARLY INFANTILE, 83; BARAKAT-PERENTHALER SYNDROME. Identifiers: MedGen C5231487, MONDO:0032895, OMIM 618744.

Submission:

Institute of Human Genetics, University of Leipzig Medical Center
Classification: Uncertain significance for Developmental and epileptic encephalopathy, 83. Last evaluated: 2023-12-20. Review status: criteria provided, single submitter. Criteria: ACMG Guidelines, 2015. Collection method: clinical testing. Allele origin: maternal. Inheritance: Autosomal recessive inheritance. Affected: yes.
Comment: Criteria applied: PVS1_MOD,PM2_SUP